The following is an entry in ClinVar:

ClinVar aggregate classification (germline): Uncertain significance. Review status: criteria provided, multiple submitters, no conflicts (2 of 4 stars). 2 submissions from 2 submitters: Uncertain significance (2). Last evaluated 2024-06-17.

Conditions:
Glycogen storage disease, type V (GSD5). Also called: MYOPHOSPHORYLASE DEFICIENCY; PYGM DEFICIENCY; McArdle type glycogen storage disease; MCARDLE DISEASE; MUSCLE GLYCOGEN PHOSPHORYLASE DEFICIENCY. Identifiers: Orphanet 368, MedGen C0017924, MONDO:0009293, OMIM 232600.

Allele frequency attached by ClinVar (database versions not stated): TOPMed below 0.00001; ExAC 0.00001; gnomAD 0.00001; gnomAD exomes 0.00001.
gnomAD v4.1: 8 of 1,613,388 alleles (0.0005%); highest among the groups gnomAD compares: Admixed American, 0.0033%; no homozygotes.

Submissions (2):

Labcorp Genetics (formerly Invitae), Labcorp
Classification: Uncertain significance for Glycogen storage disease, type V. Last evaluated: 2024-06-17. Review status: criteria provided, single submitter. Criteria: Invitae Variant Classification Sherloc (09022015). Collection method: clinical testing. Allele origin: germline.
Comment: This sequence change falls in intron 7 of the PYGM gene. It does not directly change the encoded amino acid sequence of the PYGM protein. It affects a nucleotide within the consensus splice site. This variant is present in population databases (rs748486465, gnomAD 0.006%). This variant has been observed in individual(s) with clinical features of McArdle disease (PMID: 22250184). ClinVar contains an entry for this variant (Variation ID: 595984). Variants that disrupt the consensus splice site are a relatively common cause of aberrant splicing (PMID: 17576681, 9536098). Algorithms developed to predict the effect of sequence changes on RNA splicing suggest that this variant may disrupt the consensus splice site. In summary, the available evidence is currently insufficient to determine the role of this variant in disease. Therefore, it has been classified as a Variant of Uncertain Significance.

Eurofins Ntd Llc (ga)
Classification: Uncertain significance. Last evaluated: 2018-02-02. Review status: criteria provided, single submitter. Criteria: EGL Classification Definitions 2015. Collection method: clinical testing. Allele origin: germline. Observed: 1 variant allele, 1 heterozygote.

Literature cited by the submitters: PubMed 22250184 (cited by Labcorp Genetics (formerly Invitae), Labcorp); PubMed 17576681 (cited by Labcorp Genetics (formerly Invitae), Labcorp); PubMed 9536098 (cited by Labcorp Genetics (formerly Invitae), Labcorp).

NM_005609.4(PYGM):c.855+5G>A

Gene: PYGM (glycogen phosphorylase, muscle associated; minus strand). Cytogenetic location: 11q13.1.
Variant type: single nucleotide variant.
Coding change: c.855+5G>A on transcript NM_005609.4 (MANE Select); 5 bases into the intron after coding-DNA position 855, G replaced by A.
Molecular consequence: intron variant.
Genome position (GRCh38, 1-based): chr11:64,755,268, C>T on the plus strand (G>A on the coding strand, the complement: PYGM is on the minus strand). VCF-style: chr11-64755268-C-T. GRCh37 (hg19) VCF-style: chr11-64522740-C-T.
Other names: c.591+5G>A (NM_001164716.1).
Identifiers: ClinVar variation 595984 (VCV000595984.7), dbSNP rs748486465, ClinGen allele CA6080101.